The following is an entry in ClinVar:

NM_000489.6(ATRX):c.397G>T (p.Val133Leu)

Gene: ATRX (ATRX chromatin remodeler; minus strand). Cytogenetic location: Xq21.1.
Variant type: single nucleotide variant.
Coding change: c.397G>T on transcript NM_000489.6 (MANE Select); coding-DNA position 397, G replaced by T.
Protein change: p.Val133Leu; replaces valine 133 with leucine.
Molecular consequence: missense variant. On other transcripts: intron variant (1).
Genome position (GRCh38, 1-based): chrX:77,693,911, C>A on the plus strand (G>T on the coding strand, the complement: ATRX is on the minus strand). VCF-style: chrX-77693911-C-A. GRCh37 (hg19) VCF-style: chrX-76949400-C-A.
Other names: c.370+2666G>T (NM_138270.5); short protein forms V133L.
Identifiers: ClinVar variation 2861935 (VCV002861935.3), dbSNP rs2520122598, ClinGen allele CA413723050.

ClinVar aggregate classification (germline): Uncertain significance (1 of 4 stars; one submission).

Conditions:
Alpha thalassemia-X-linked intellectual disability syndrome (ATRX). Also called: ALPHA-THALASSEMIA/MENTAL RETARDATION SYNDROME, X-LINKED; ATR, NONDELETION TYPE; ATR-X syndrome; Alpha thalassemia mental retardation syndrome, nondeletion type, X-linked; XLMR hypotonic face syndrome; X-linked alpha-thalassemia-mental retardation syndrome. Identifiers: Orphanet 847, MedGen C1845055, MONDO:0010519, OMIM 301040.

Submission:

Labcorp Genetics (formerly Invitae), Labcorp
Classification: Uncertain significance for Alpha thalassemia-X-linked intellectual disability syndrome. Last evaluated: 2023-05-15. Review status: criteria provided, single submitter. Criteria: Invitae Variant Classification Sherloc (09022015). Collection method: clinical testing. Allele origin: germline.
Comment: This sequence change replaces valine, which is neutral and non-polar, with leucine, which is neutral and non-polar, at codon 133 of the ATRX protein (p.Val133Leu). This variant is not present in population databases (gnomAD no frequency). This variant has not been reported in the literature in individuals affected with ATRX-related conditions. Advanced modeling of protein sequence and biophysical properties (such as structural, functional, and spatial information, amino acid conservation, physicochemical variation, residue mobility, and thermodynamic stability) performed at Invitae indicates that this missense variant is not expected to disrupt ATRX protein function. In summary, the available evidence is currently insufficient to determine the role of this variant in disease. Therefore, it has been classified as a Variant of Uncertain Significance.